The following is an entry in ClinVar:

ClinVar aggregate classification (germline): Conflicting classifications of pathogenicity. Review status: criteria provided, conflicting classifications (1 of 4 stars). 5 submissions from 5 submitters: Likely pathogenic (1); Uncertain significance (3). 1 of the submissions does not count toward it. Last evaluated 2024-03-12.

Conditions:
Leber plus disease. Identifiers: Orphanet 99718, MedGen C4304725, MONDO:0020478.
Mitochondrial complex I deficiency, nuclear type 1. Also called: NADH-COENZYME Q REDUCTASE DEFICIENCY; MITOCHONDRIAL NADH DEHYDROGENASE COMPONENT OF COMPLEX I, DEFICIENCY OF. Identifiers: MedGen C6022305, MONDO:0100224, OMIM 252010.
Mitochondrial complex I deficiency, nuclear type 16. Also called: Mitochondrial complex 1 deficiency, nuclear type 16. Identifiers: MedGen C4748785, MONDO:0032621, OMIM 618238.

Submissions (5):

Blueprint Genetics
Classification: Uncertain significance. Last evaluated: 2024-03-12. Review status: criteria provided, single submitter. Criteria: ACMG Guidelines, 2015. Collection method: clinical testing. Allele origin: germline.

GeneDx
Classification: Likely pathogenic. Last evaluated: 2022-06-17. Review status: criteria provided, single submitter. Criteria: GeneDx Variant Classification Process June 2021. Collection method: clinical testing. Allele origin: germline. Affected: yes.
Comment: Not observed at significant frequency in large population cohorts (gnomAD); Frameshift variant predicted to result in protein truncation as the last 2 amino acids are replaced with 19 different amino acids, although loss-of-function variants have not been reported downstream of this position in the protein; Has not been previously published as pathogenic or benign to our knowledge

Baylor Genetics
Classification: Uncertain significance for Mitochondrial complex I deficiency, nuclear type 1. Last evaluated: 2019-03-12. Review status: criteria provided, single submitter. Criteria: ACMG Guidelines, 2015. Collection method: clinical testing. Allele origin: unknown. Affected: yes.
Comment: This variant was determined to be of uncertain significance according to ACMG Guidelines, 2015 [PMID:25741868].

Victorian Clinical Genetics Services, Murdoch Childrens Research Institute
Classification: Uncertain significance for Mitochondrial complex I deficiency, nuclear type 16. Last evaluated: 2018-10-01. Review status: criteria provided, single submitter. Criteria: ACMG Guidelines, 2015. Collection method: clinical testing. Allele origin: inherited. Affected: yes. Observed: 3 variant alleles. Clinical features observed: Hypoglycemia (HP:0001943), Increased serum lactate (HP:0002151), Hepatosplenomegaly (HP:0001433), Abnormality of coagulation (HP:0001928), Hyperbilirubinemia (HP:0002904), Anemia (HP:0001903), Elevated hepatic transaminases (HP:0002910).
Comment: A homozygous duplication variant, NM_024120.4(NDUFAF5):c.1029dupA, has been identified in exon 11 of 11 of the NDUFAF5 gene. This duplication is predicted to create a frameshift starting at amino acid position 344, resulting in an extension of the protein and termination codon 20 residues downstream (NP_077025.2(NDUFAF5):p.(Ser344Ilefs*20)). This variant is predicted to result in loss of protein function through protein extension (although no known functional domains are affected). The variant is present in the gnomAD database at a frequency of 0.00072% (2 heterozygotes, 0 homozygotes). The variant has been previously described as likely pathogenic in ClinVar for individuals with a Lebers plus phenotype by a single submitter, however no corroborating evidence was provided. Based on the information available at the time of curation, this variant has been classified as VARIANT of UNCERTAIN SIGNIFICANCE (VUS) with POTENTIAL CLINICAL RELEVANCE.

Center for Neuroscience and Cell Biology, University of Coimbra, Portugal
Classification: Likely pathogenic for Leber plus disease. Last evaluated: 2016-12-22. Review status: no assertion criteria provided. Collection method: research. Allele origin: maternal. Affected: yes. Observed: 6 variant alleles. Not counted in ClinVar's aggregate classification.

NM_024120.5(NDUFAF5):c.1029dup (p.Ser344fs)

Gene: NDUFAF5 (NADH:ubiquinone oxidoreductase complex assembly factor 5; plus strand). Cytogenetic location: 20p12.1.
Variant type: Duplication.
Coding change: c.1029dup on transcript NM_024120.5 (MANE Select); coding-DNA position 1029, one base duplicated (A; older notation c.1029dupA).
Protein change: p.Ser344fs; shifts the reading frame from serine 344.
Molecular consequence: frameshift variant. On other transcripts: non-coding transcript variant (7).
Genome position (GRCh38, 1-based): chr20:13,817,201, A duplicated; the last of 6 consecutive A bases (chr20:13,817,196-13,817,201); duplicating any one gives the same sequence. VCF-style (leftmost placement, unchanged base first): chr20-13817195-G-GA. GRCh37 (hg19) VCF-style: chr20-13797841-G-GA.
Other names: c.1029dupA (NM_024120.4); c.945dup, p.Ser316fs (NM_001039375.3); c.558dup, p.Ser187fs (NM_001352403.2); c.468dup, p.Ser157fs (NM_001352406.2, NM_001352407.2); short protein forms S316fs, S157fs, S187fs, S344fs.
Identifiers: ClinVar variation 374218 (VCV000374218.8), dbSNP rs778575439, ClinGen allele CA9767961.